The following is an entry in ClinVar:

NM_152564.5(VPS13B):c.7691A>G (p.Asp2564Gly)

Gene: VPS13B (vacuolar protein sorting 13 homolog B; plus strand). Cytogenetic location: 8q22.2.
Variant type: single nucleotide variant.
Coding change: c.7691A>G on transcript NM_152564.5 (MANE Select); coding-DNA position 7691, A replaced by G.
Protein change: p.Asp2564Gly; replaces aspartic acid 2564 with glycine.
Molecular consequence: missense variant.
Genome position (GRCh38, 1-based): chr8:99,778,943, A>G. VCF-style: chr8-99778943-A-G. GRCh37 (hg19) VCF-style: chr8-100791171-A-G.
Other names: c.7766A>G, p.Asp2589Gly (NM_017890.5); short protein forms D2589G, D2564G.
Identifiers: ClinVar variation 1371950 (VCV001371950.5), dbSNP rs2130679527, ClinGen allele CA371876511.

ClinVar aggregate classification (germline): Uncertain significance (1 of 4 stars; one submission).

Conditions:
Cohen syndrome (COH1). Also called: PEPPER SYNDROME; Cutis verticis gyrata, retinitis pigmentosa, and sensorineural deafness. Identifiers: Orphanet 193, MedGen C0265223, MONDO:0008999, OMIM 216550.

Submission:

Labcorp Genetics (formerly Invitae), Labcorp
Classification: Uncertain significance for Cohen syndrome. Last evaluated: 2022-03-28. Review status: criteria provided, single submitter. Criteria: Invitae Variant Classification Sherloc (09022015). Collection method: clinical testing. Allele origin: germline.
Comment: This sequence change replaces aspartic acid, which is acidic and polar, with glycine, which is neutral and non-polar, at codon 2589 of the VPS13B protein (p.Asp2589Gly). This variant is not present in population databases (gnomAD no frequency). This variant has not been reported in the literature in individuals affected with VPS13B-related conditions. Algorithms developed to predict the effect of missense changes on protein structure and function are either unavailable or do not agree on the potential impact of this missense change (SIFT: "Not Available"; PolyPhen-2: "Possibly Damaging"; Align-GVGD: "Not Available"). In summary, the available evidence is currently insufficient to determine the role of this variant in disease. Therefore, it has been classified as a Variant of Uncertain Significance.